The following is an entry in ClinVar:

ClinVar aggregate classification (germline): Likely benign. Review status: criteria provided, multiple submitters, no conflicts (2 of 4 stars). 2 submissions from 2 submitters: Likely benign (2). Last evaluated 2026-03-01.

Allele frequency attached by ClinVar (database versions not stated): ExAC 0.00140.

Submissions (2):

CeGaT Center for Human Genetics Tuebingen
Classification: Likely benign. Last evaluated: 2026-03-01. Review status: criteria provided, single submitter. Criteria: CeGaT Center For Human Genetics Tuebingen Variant Classification Criteria Version 2. Collection method: clinical testing. Allele origin: germline. Affected: yes. Observed: 5 variant alleles.
Comment: RP1L1: BP4, BP7

Blueprint Genetics
Classification: Likely benign. Last evaluated: 2024-11-18. Review status: criteria provided, single submitter. Criteria: ACMG Guidelines, 2015. Collection method: clinical testing. Allele origin: germline.

NM_178857.6(RP1L1):c.6270A>T (p.Ala2090=)

Gene: RP1L1 (RP1 like 1). Cytogenetic location: 8p23.1.
Variant type: single nucleotide variant.
Coding change: c.6270A>T on transcript NM_178857.6 (MANE Select); coding-DNA position 6270, A replaced by T.
Protein change: p.Ala2090=; no amino-acid change (alanine 2090 retained).
Molecular consequence: synonymous variant.
Genome position (GRCh38, 1-based): chr8:10,607,828, T>A on the plus strand (A>T on the coding strand, the complement: RP1L1 is on the minus strand). VCF-style: chr8-10607828-T-A. GRCh37 (hg19) VCF-style: chr8-10465338-T-A.
Identifiers: ClinVar variation 2658383 (VCV002658383.25), dbSNP rs143386673, ClinGen allele CA4623387.
Genomic context (GRCh38, chr8:10,607,828, plus strand): 5'-GGCCTCCCCTTCTGCCTCTGGGGCCTCTACACCTTCTGATTCTGGCTGGGCCTCCCCTTC[T>A]GCCTCCTGGGCATCTACATCTTCTGACTCTGGGTGGGCCTCCCCTTCTGCCTCCTGGACC-3'
Protein context (NP_849188.4, residues 2080-2100): PESEDVDAQE[Ala2090=]EGEAQPESEG